The following is an entry in ClinVar:

ClinVar aggregate classification (germline): Uncertain significance (1 of 4 stars; one submission).

Conditions:
Hereditary cancer-predisposing syndrome. Also called: Hereditary neoplastic syndrome; Neoplastic Syndromes, Hereditary; Tumor predisposition; Hereditary Cancer Syndrome. Identifiers: Orphanet 140162, MedGen C0027672, MeSH D009386, MONDO:0015356.

Submission:

Ambry Genetics
Classification: Uncertain significance for Hereditary cancer-predisposing syndrome. Last evaluated: 2025-08-27. Review status: criteria provided, single submitter. Criteria: Ambry Variant Classification Scheme 2023. Collection method: clinical testing. Allele origin: germline.
Comment: The p.E120V variant (also known as c.359A>T), located in coding exon 4 of the MUTYH gene, results from an A to T substitution at nucleotide position 359. The glutamic acid at codon 120 is replaced by valine, an amino acid with dissimilar properties. This amino acid position is conserved. In addition, this alteration is predicted to be tolerated by in silico analysis. Based on the available evidence, the clinical significance of this variant remains unclear.

NM_001048174.2(MUTYH):c.275A>T (p.Glu92Val)

Gene: MUTYH (mutY DNA glycosylase; minus strand). Cytogenetic location: 1p34.1.
Variant type: single nucleotide variant.
Coding change: c.275A>T on transcript NM_001048174.2 (MANE Select); coding-DNA position 275, A replaced by T.
Protein change: p.Glu92Val; replaces glutamic acid 92 with valine.
Molecular consequence: missense variant. On other transcripts: non-coding transcript variant (7), 5 prime UTR variant (3), nonsense (3).
Genome position (GRCh38, 1-based): chr1:45,333,314, T>A on the plus strand (A>T on the coding strand, the complement: MUTYH is on the minus strand). VCF-style: chr1-45333314-T-A. GRCh37 (hg19) VCF-style: chr1-45798986-T-A.
Other names: c.275A>T, p.Glu92Val (NM_001048171.2, NM_001048173.2, NM_001293195.2 and 6 more transcripts); c.278A>T, p.Glu93Val (NM_001048172.2, NM_001407071.1, NM_001407078.1 and 2 more transcripts); c.359A>T, p.Glu120Val (NM_001128425.2); c.320A>T, p.Glu107Val (NM_001293190.2); c.308A>T, p.Glu103Val (NM_001293191.2, NM_001407077.1); c.-2A>T (NM_001293192.2, NM_001293196.2, NM_001407091.1); c.4A>T, p.Arg2Ter (NM_001350650.2, NM_001350651.2, NM_001407082.1); c.350A>T, p.Glu117Val (NM_001407069.1, NM_012222.3); and 3 more; short protein forms E92V, E99V, E117V, E120V, E64V, E93V, E103V, E106V.
Identifiers: ClinVar variation 4113624 (VCV004113624.1).